The following is an entry in ClinVar:

NM_145178.4(ATOH7):c.22G>A (p.Gly8Ser)

Genes: ATOH7 (atonal bHLH transcription factor 7; minus strand), LOC130003943 (ATAC-STARR-seq lymphoblastoid silent region 2418; plus strand). Cytogenetic location: 10q21.3.
Variant type: single nucleotide variant.
Coding change: c.22G>A on transcript NM_145178.4 (MANE Select); coding-DNA position 22, G replaced by A.
Protein change: p.Gly8Ser; replaces glycine 8 with serine.
Molecular consequence: missense variant.
Genome position (GRCh38, 1-based): chr10:68,231,656, C>T on the plus strand (G>A on the coding strand, the complement: ATOH7 is on the minus strand). VCF-style: chr10-68231656-C-T. GRCh37 (hg19) VCF-style: chr10-69991413-C-T.
Other names: short protein forms G8S.
Identifiers: ClinVar variation 1508708 (VCV001508708.6), dbSNP rs1426761957, ClinGen allele CA376837983.
Genomic context (GRCh38, chr10:68,231,656, plus strand): 5'-TGCCCGCGCACTCGGTGCCGCCCGCGCACGGGGGTGCAACGCGCGCTCCCGCCGGCGGGC[C>T]GCTGGGCTTGCAGGACTTCATCCCCGGCCCCAAGCAGCGAGGCGCCGACCTCGCACGCCC-3'
Protein context (NP_660161.1, residues 1-18): MKSCKPS[Gly8Ser]PPAGARVAPP

ClinVar aggregate classification (germline): Uncertain significance (1 of 4 stars; one submission).

Submission:

Labcorp Genetics (formerly Invitae), Labcorp
Classification: Uncertain significance. Last evaluated: 2022-10-04. Review status: criteria provided, single submitter. Criteria: Invitae Variant Classification Sherloc (09022015). Collection method: clinical testing. Allele origin: germline.
Comment: This sequence change replaces glycine, which is neutral and non-polar, with serine, which is neutral and polar, at codon 8 of the ATOH7 protein (p.Gly8Ser). This variant is present in population databases (no rsID available, gnomAD 0.007%). This variant has not been reported in the literature in individuals affected with ATOH7-related conditions. ClinVar contains an entry for this variant (Variation ID: 1508708). Algorithms developed to predict the effect of missense changes on protein structure and function output the following: SIFT: "Tolerated"; PolyPhen-2: "Benign"; Align-GVGD: "Class C0". The serine amino acid residue is found in multiple mammalian species, which suggests that this missense change does not adversely affect protein function. In summary, the available evidence is currently insufficient to determine the role of this variant in disease. Therefore, it has been classified as a Variant of Uncertain Significance.